The following is an entry in ClinVar:

NM_001754.5(RUNX1):c.243G>A (p.Val81=)

Gene: RUNX1 (RUNX family transcription factor 1; minus strand). Cytogenetic location: 21q22.12.
Variant type: single nucleotide variant.
Coding change: c.243G>A on transcript NM_001754.5 (MANE Select); coding-DNA position 243, G replaced by A.
Protein change: p.Val81=; no amino-acid change (valine 81 retained).
Molecular consequence: synonymous variant.
Genome position (GRCh38, 1-based): chr21:34,886,951, C>T on the plus strand (G>A on the coding strand, the complement: RUNX1 is on the minus strand). VCF-style: chr21-34886951-C-T. GRCh37 (hg19) VCF-style: chr21-36259248-C-T.
Other names: NM_001754.5(RUNX1):c.243G>A; p.Val81=; c.162G>A, p.Val54= (NM_001001890.3, NM_001122607.2); c.243G>A (NM_001754.4).
Identifiers: ClinVar variation 1587474 (VCV001587474.10), dbSNP rs2146410848, ClinGen allele CA512318894.

ClinVar aggregate classification (germline): Likely benign. Review status: reviewed by expert panel (3 of 4 stars). 3 submissions from 3 submitters: Likely benign (1). 2 of the submissions do not count toward it. Last evaluated 2024-09-18.

Conditions:
Hereditary thrombocytopenia and hematologic cancer predisposition syndrome. Identifiers: Orphanet 71290, MedGen CN281654, MONDO:0011071.
Hereditary thrombocytopenia and hematological cancer predisposition syndrome associated with RUNX1. Also called: RUNX1 Familial Platelet Disorder with Associated Myeloid Malignancies; Familial Platelet Disorder with Propensity to Acute Myelogenous Leukemia; Familial thrombocytopenia with propensity to acute myelogenous leukemia; PLATELET DISORDER, ASPIRIN-LIKE. Identifiers: Orphanet 71290, MedGen C1832388, MeSH C563324, MONDO:0100083, OMIM 601399.
Inborn genetic diseases. Identifiers: MedGen C0950123, MeSH D030342.

Submissions (3):

ClinGen Myeloid Malignancy Variant Curation Expert Panel
Classification: Likely benign for Hereditary thrombocytopenia and hematologic cancer predisposition syndrome. Last evaluated: 2024-09-18. Review status: reviewed by expert panel. Criteria: ClinGen MyeloMalig ACMG Specifications v2. Collection method: curation. Allele origin: germline. Inheritance: Autosomal dominant inheritance.
Comment: NM_001754.5(RUNX1):c.243G>A (p.Val81=) is a synonymous variant which has a SpliceAI score ≤ 0.20 (0.07) (BP4). This variant has a SpliceAI score ≤ 0.20 (0.07) and evolutionary conservation algorithms predict the site as not being conserved (PhyloP score ≤ 2.0 (0.32) (BP7). This variant is completely absent from all population databases with at least 20x coverage for RUNX1 (PM2_Supporting). In summary, this variant meets criteria to be classified as likely benign. ACMG/AMP criteria applied, as specified by the Myeloid Malignancy Variant Curation Expert Panel for RUNX1: BP4, BP7, PM2_supporting.

Ambry Genetics
Classification: Likely benign for Inborn genetic diseases. Last evaluated: 2025-09-02. Review status: criteria provided, single submitter. Criteria: Ambry Variant Classification Scheme 2023. Collection method: clinical testing. Allele origin: germline. Not counted in ClinVar's aggregate classification.

Labcorp Genetics (formerly Invitae), Labcorp
Classification: Likely benign for Hereditary thrombocytopenia and hematological cancer predisposition syndrome associated with RUNX1. Last evaluated: 2023-10-22. Review status: criteria provided, single submitter. Criteria: Invitae Variant Classification Sherloc (09022015). Collection method: clinical testing. Allele origin: germline. Not counted in ClinVar's aggregate classification.